The following is an entry in ClinVar:

ClinVar aggregate classification (germline): Conflicting classifications of pathogenicity. Review status: criteria provided, conflicting classifications (1 of 4 stars). 2 submissions from 2 submitters: Uncertain significance (1); Likely benign (1). Last evaluated 2025-06-10.

gnomAD v4.1: 39 of 1,606,318 alleles (0.0024%); highest among the groups gnomAD compares: Non-Finnish European, 0.0032%; no homozygotes.

Submissions (2):

Women's Health and Genetics/Laboratory Corporation of America, LabCorp
Classification: Likely benign. Last evaluated: 2025-06-10. Review status: criteria provided, single submitter. Criteria: LabCorp Variant Classification Summary - May 2015. Collection method: clinical testing. Allele origin: germline.

CeGaT Center for Human Genetics Tuebingen
Classification: Uncertain significance. Last evaluated: 2024-09-01. Review status: criteria provided, single submitter. Criteria: CeGaT Center For Human Genetics Tuebingen Variant Classification Criteria Version 2. Collection method: clinical testing. Allele origin: germline. Affected: yes. Observed: 1 variant allele.
Comment: TNXB: PM2

NM_001365276.2(TNXB):c.7826-17T>G

Gene: TNXB (tenascin XB; minus strand). Cytogenetic location: 6p21.33.
Variant type: single nucleotide variant.
Coding change: c.7826-17T>G on transcript NM_001365276.2 (MANE Select); 17 bases into the intron before coding-DNA position 7826, T replaced by G.
Molecular consequence: intron variant.
Genome position (GRCh38, 1-based): chr6:32,056,920, A>C on the plus strand (T>G on the coding strand, the complement: TNXB is on the minus strand). VCF-style: chr6-32056920-A-C. GRCh37 (hg19) VCF-style: chr6-32024697-A-C.
Other names: c.7826-17T>G (NM_019105.8); c.8567-17T>G (NM_001428335.1).
Identifiers: ClinVar variation 3388702 (VCV003388702.15).